The following is an entry in ClinVar:

ClinVar aggregate classification (germline): Conflicting classifications of pathogenicity. Review status: criteria provided, conflicting classifications (1 of 4 stars). 4 submissions from 4 submitters: Uncertain significance (3); Likely benign (1). Last evaluated 2025-11-01.

Conditions:
Hereditary cancer-predisposing syndrome. Also called: Neoplastic Syndromes, Hereditary; Tumor predisposition; Hereditary neoplastic syndrome; Hereditary Cancer Syndrome. Identifiers: Orphanet 140162, MedGen C0027672, MeSH D009386, MONDO:0015356.
Ataxia-telangiectasia syndrome (AT). Also called: ATAXIA-TELANGIECTASIA, COMPLEMENTATION GROUP A; ATAXIA-TELANGIECTASIA, FRESNO VARIANT; Ataxia-telangiectasia; Cerebello-oculocutaneous telangiectasia; Immunodeficiency with ataxia telangiectasia; Ataxia-telangiectasia, complementation group D. Identifiers: Orphanet 100, MedGen C0004135, MONDO:0008840, OMIM 208900.

Allele frequency attached by ClinVar (database versions not stated): gnomAD exomes below 0.00001.
gnomAD v4.1: 2 of 1,614,058 alleles (0.00012%); highest among the groups gnomAD compares: East Asian, 0.0022%; no homozygotes.

Submissions (4):

CeGaT Center for Human Genetics Tuebingen
Classification: Uncertain significance. Last evaluated: 2025-11-01. Review status: criteria provided, single submitter. Criteria: CeGaT Center For Human Genetics Tuebingen Variant Classification Criteria Version 2. Collection method: clinical testing. Allele origin: germline. Affected: yes. Observed: 1 variant allele.
Comment: ATM: PM2, BP4

Labcorp Genetics (formerly Invitae), Labcorp
Classification: Uncertain significance for Ataxia-telangiectasia syndrome. Last evaluated: 2025-05-19. Review status: criteria provided, single submitter. Criteria: Invitae Variant Classification Sherloc (09022015). Collection method: clinical testing. Allele origin: germline.
Comment: This sequence change replaces lysine, which is basic and polar, with arginine, which is basic and polar, at codon 1066 of the ATM protein (p.Lys1066Arg). This variant is not present in population databases (gnomAD no frequency). This variant has not been reported in the literature in individuals affected with ATM-related conditions. ClinVar contains an entry for this variant (Variation ID: 919065). Invitae Evidence Modeling of protein sequence and biophysical properties (such as structural, functional, and spatial information, amino acid conservation, physicochemical variation, residue mobility, and thermodynamic stability) indicates that this missense variant is not expected to disrupt ATM protein function with a negative predictive value of 95%. In summary, the available evidence is currently insufficient to determine the role of this variant in disease. Therefore, it has been classified as a Variant of Uncertain Significance.

Ambry Genetics
Classification: Likely benign for Hereditary cancer-predisposing syndrome. Last evaluated: 2024-08-16. Review status: criteria provided, single submitter. Criteria: Ambry Variant Classification Scheme 2023. Collection method: clinical testing. Allele origin: germline.

Color Diagnostics, LLC DBA Color Health
Classification: Uncertain significance for Hereditary cancer-predisposing syndrome. Last evaluated: 2024-03-06. Review status: criteria provided, single submitter. Criteria: ACMG Guidelines, 2015. Collection method: clinical testing. Allele origin: germline.
Comment: This missense variant replaces lysine with arginine at codon 1066 of the ATM protein. Computational prediction tool suggests that this variant may not impact protein structure and function (internally defined REVEL score threshold <=0.5, PMID: 27666373). Splice site prediction tools suggest that this variant may not impact RNA splicing. To our knowledge, functional studies have not been performed for this variant. This variant has not been reported in individuals affected with hereditary cancer in the literature. This variant has not been identified in the general population by the Genome Aggregation Database (gnomAD). The available evidence is insufficient to determine the role of this variant in disease conclusively. Therefore, this variant is classified as a Variant of Uncertain Significance.

NM_000051.4(ATM):c.3197A>G (p.Lys1066Arg)

Gene: ATM (ATM serine/threonine kinase; plus strand). Cytogenetic location: 11q22.3.
Variant type: single nucleotide variant.
Coding change: c.3197A>G on transcript NM_000051.4 (MANE Select); coding-DNA position 3197, A replaced by G.
Protein change: p.Lys1066Arg; replaces lysine 1066 with arginine.
Molecular consequence: missense variant.
Genome position (GRCh38, 1-based): chr11:108,272,765, A>G. VCF-style: chr11-108272765-A-G. GRCh37 (hg19) VCF-style: chr11-108143492-A-G.
Other names: c.3197A>G, p.Lys1066Arg (NM_001351834.2); short protein forms K1066R.
Identifiers: ClinVar variation 919065 (VCV000919065.21), dbSNP rs926564671, ClinGen allele CA228357907.